The following is an entry in ClinVar:

ClinVar aggregate classification (germline): Uncertain significance (1 of 4 stars; one submission).

Conditions:
Weaver syndrome (WVS). Also called: Weaver Smith syndrome; Overgrowth syndrome with accelerated skeletal maturation, unusual facies, and camptodactyly. Identifiers: Orphanet 3447, MedGen C0265210, MONDO:0010193, OMIM 277590.

Submission:

Labcorp Genetics (formerly Invitae), Labcorp
Classification: Uncertain significance for Weaver syndrome. Last evaluated: 2021-08-12. Review status: criteria provided, single submitter. Criteria: Invitae Variant Classification Sherloc (09022015). Collection method: clinical testing. Allele origin: germline.
Comment: Advanced modeling of protein sequence and biophysical properties (such as structural, functional, and spatial information, amino acid conservation, physicochemical variation, residue mobility, and thermodynamic stability) performed at Invitae indicates that this missense variant is not expected to disrupt EZH2 protein function. This sequence change replaces isoleucine with asparagine at codon 429 of the EZH2 protein (p.Ile429Asn). The isoleucine residue is moderately conserved and there is a large physicochemical difference between isoleucine and asparagine. This variant is not present in population databases (ExAC no frequency). This variant has not been reported in the literature in individuals affected with EZH2-related conditions. In summary, the available evidence is currently insufficient to determine the role of this variant in disease. Therefore, it has been classified as a Variant of Uncertain Significance.

NM_004456.5(EZH2):c.1286T>A (p.Ile429Asn)

Gene: EZH2 (enhancer of zeste 2 polycomb repressive complex 2 subunit; minus strand). Cytogenetic location: 7q36.1.
Variant type: single nucleotide variant.
Coding change: c.1286T>A on transcript NM_004456.5 (MANE Select); coding-DNA position 1286, T replaced by A.
Protein change: p.Ile429Asn; replaces isoleucine 429 with asparagine.
Molecular consequence: missense variant.
Genome position (GRCh38, 1-based): chr7:148,817,346, A>T on the plus strand (T>A on the coding strand, the complement: EZH2 is on the minus strand). VCF-style: chr7-148817346-A-T. GRCh37 (hg19) VCF-style: chr7-148514438-A-T.
Other names: c.1271T>A, p.Ile424Asn (NM_001203247.2); c.1244T>A, p.Ile415Asn (NM_001203248.2, NM_001203249.2); c.1154T>A, p.Ile385Asn (NM_152998.3); short protein forms I415N, I424N, I385N, I429N.
Identifiers: ClinVar variation 1512425 (VCV001512425.6), dbSNP rs770327434, ClinGen allele CA369715380.